The following is an entry in ClinVar:

NM_000168.6(GLI3):c.2966G>T (p.Arg989Leu)

Gene: GLI3 (GLI family zinc finger 3; minus strand). Cytogenetic location: 7p14.1.
Variant type: single nucleotide variant.
Coding change: c.2966G>T on transcript NM_000168.6 (MANE Select); coding-DNA position 2966, G replaced by T.
Protein change: p.Arg989Leu; replaces arginine 989 with leucine.
Molecular consequence: missense variant.
Genome position (GRCh38, 1-based): chr7:41,966,107, C>A on the plus strand (G>T on the coding strand, the complement: GLI3 is on the minus strand). VCF-style: chr7-41966107-C-A. GRCh37 (hg19) VCF-style: chr7-42005705-C-A.
Other names: short protein forms R989L.
Identifiers: ClinVar variation 762228 (VCV000762228.12), dbSNP rs548918938, ClinGen allele CA4230489.
Genomic context (GRCh38, chr7:41,966,107, plus strand): 5'-ACCGGGTCGCTGGCCCTCCTCACGCCGTGGCCCGGCGCATCGTGCGGCTGCAGGTGGCGC[C>A]GCCCGTAGCCGTGGGCTCCCCCGTCGCTGCACCTCCTCGGGGCATGAACTGGAGGCAGGG-3'
Protein context (NP_000159.3, residues 979-999): CSDGGAHGYG[Arg989Leu]RHLQPHDAPG

ClinVar aggregate classification (germline): Likely benign. Review status: criteria provided, multiple submitters, no conflicts (2 of 4 stars). 3 submissions from 3 submitters: Likely benign (2). 1 of the submissions does not count toward it. Last evaluated 2025-09-01.

Conditions:
GLI3-related disorder. Also called: GLI3-related disorders; GLI3-related condition. Identifiers: MedGen CN239292.
Inborn genetic diseases. Identifiers: MedGen C0950123, MeSH D030342.
Greig cephalopolysyndactyly syndrome (GCPS). Also called: Greig syndrome; POLYSYNDACTYLY WITH PECULIAR SKULL SHAPE; GLI3-Related Greig Cephalopolysyndactyly Syndrome. Identifiers: Orphanet 380, MedGen C0265306, MONDO:0008287, OMIM 175700.
Pallister-Hall syndrome (PHS). Also called: GLI3-Related Pallister-Hall Syndrome; HYPOTHALAMIC HAMARTOBLASTOMA, HYPOPITUITARISM, IMPERFORATE ANUS, AND POSTAXIAL POLYDACTYLY. Identifiers: Orphanet 672, MedGen C0265220, MONDO:0007804, OMIM 146510.

Allele frequency attached by ClinVar (database versions not stated): gnomAD exomes 0.00016; ExAC 0.00041; 1000 Genomes Project 0.00060; 1000 Genomes Project 30x 0.00078.
gnomAD v4.1: 96 of 1,572,752 alleles (0.0061%); highest among the groups gnomAD compares: South Asian, 0.1%; no homozygotes.

Submissions (3):

Ambry Genetics
Classification: Likely benign for Inborn genetic diseases. Last evaluated: 2025-09-01. Review status: criteria provided, single submitter. Criteria: Ambry Variant Classification Scheme 2023. Collection method: clinical testing. Allele origin: germline.

Labcorp Genetics (formerly Invitae), Labcorp
Classification: Likely benign for Pallister-Hall syndrome; Greig cephalopolysyndactyly syndrome. Last evaluated: 2025-08-05. Review status: criteria provided, single submitter. Criteria: Invitae Variant Classification Sherloc (09022015). Collection method: clinical testing. Allele origin: germline.

PreventionGenetics, part of Exact Sciences
Classification: Likely benign for GLI3-related condition. Last evaluated: 2022-02-18. Review status: no assertion criteria provided. Collection method: clinical testing. Allele origin: germline. Not counted in ClinVar's aggregate classification.
Comment: This variant is classified as likely benign based on ACMG/AMP sequence variant interpretation guidelines (Richards et al. 2015 PMID: 25741868, with internal and published modifications).